The following is an entry in ClinVar:

ClinVar aggregate classification (germline): Pathogenic. Review status: criteria provided, multiple submitters, no conflicts (2 of 4 stars). 9 submissions from 9 submitters: Pathogenic (7). 2 of the submissions do not count toward it. Last evaluated 2025-11-19.

Conditions:
Roifman syndrome (RFMN). Also called: SPONDYLOEPIPHYSEAL DYSPLASIA, RETINAL DYSTROPHY, AND ANTIBODY DEFICIENCY. Identifiers: Orphanet 353298, MedGen C1846059, MONDO:0014722, OMIM 616651.
Lowry-Wood syndrome (LWS). Identifiers: Orphanet 1824, MedGen C0796021, MONDO:0009191, OMIM 226960.
RNU4ATAC spectrum disorder. Also called: RNU4atac-opathy. Identifiers: MedGen CN377746, MONDO:0100558.
RNU4ATAC-related disorder. Also called: RNU4ATAC-related condition.

gnomAD v4.1: 62 of 699,948 alleles (0.0089%); highest among the groups gnomAD compares: Admixed American, 0.02%; no homozygotes.

Submissions (9):

3billion
Classification: Pathogenic for RNU4ATAC-related disorder. Last evaluated: 2025-11-19. Review status: criteria provided, single submitter. Criteria: ACMG Guidelines, 2015. Collection method: clinical testing. Allele origin: germline. Affected: yes.
Comment: The variant is observed at an extremely low frequency in the gnomAD v4.1.0 dataset (total allele frequency: 0.009%). Predicted Consequence/Location: non_coding_transcript_exon_variant The variant has been reported to be in trans with a pathogenic variant as either compound heterozygous or homozygous in at least 2 similarly affected unrelated individuals (PMID: 29265708, 29391254). The variant has been reported at least twice as pathogenic with clinical assertions and evidence for the classification (ClinVar ID: VCV000636959 /PMID: 25735804). Therefore, this variant is classified as Pathogenic according to the recommendation of ACMG/AMP guideline.

Labcorp Genetics (formerly Invitae), Labcorp
Classification: Pathogenic. Last evaluated: 2025-10-29. Review status: criteria provided, single submitter. Criteria: Invitae Variant Classification Sherloc (09022015). Collection method: clinical testing. Allele origin: germline.
Comment: This variant occurs in the RNU4ATAC gene, which encodes an RNA molecule that does not result in a protein product. This variant is present in population databases (no rsID available, gnomAD 0.02%). This variant has been observed in individual(s) with clinical features of RNU4ATAC-related conditions (PMID: 25735804, 28669401, 29391254). In at least one individual the data is consistent with being in trans (on the opposite chromosome) from a pathogenic variant. It has also been observed to segregate with disease in related individuals. This variant is also known as g.122288501G>A. ClinVar contains an entry for this variant (Variation ID: 636959). Functional studies have shown that this variant disrupts ncRNA function (PMID: 32628740). For these reasons, this variant has been classified as Pathogenic.

Dasa
Classification: Pathogenic. Last evaluated: 2025-10-11. Review status: criteria provided, single submitter. Criteria: DASA Assertion Criteria. Collection method: clinical testing. Allele origin: germline.
Comment: NM_001395891.1(CLASP1):c.196-600C>T is a splice-region variant predicted to affect normal RNA splicing. Segregation evidence has been reported in affected families. This variant has been observed in affected individuals with related phenotype in a genotype context consistent with recessive disease (PMID: 32628740; PMID: 25735804; PMID: 29391254; PMID: 29265708; PMID: 29620724). Functional evidence supports a deleterious effect on the gene or gene product (PMID: 32628740; PMID: 25735804; PMID: 29391254; PMID: 29265708; PMID: 29620724). This variant has been recurrently observed in individuals with related phenotype (PMID: 32628740; PMID: 25735804; PMID: 29391254; PMID: 29265708; PMID: 29620724). The variant is present at low frequency in population datasets. Based on the available data, this variant is classified as pathogenic.

Broad Center for Mendelian Genomics, Broad Institute of MIT and Harvard
Classification: Pathogenic for RNU4ATAC spectrum disorder. Last evaluated: 2025-08-15. Review status: criteria provided, single submitter. Criteria: Ellingford et al. (Genome Med. 2022). Collection method: curation. Allele origin: germline. Inheritance: Autosomal recessive inheritance.
Comment: The heterozygous n.46G>A variant in RNU4ATAC was identified by our study, in the compound heterozygous state, in seven individuals with RNU4ATAC spectrum disorder (PMID: 29620724). The n.46G>A variant in RNU4ATAC has been reported in the literature in multiple individuals with RNU4ATAC spectrum disorder (PMID: 29391254, 25735804, 37225827), segregated with disease in five affected relatives from two families (PMID: 29391254), and has been identified in 0.02% (10/49988) of Admixed American chromosomes by the Genome Aggregation Database (gnomAD; dbSNP rs1032667950). Although this variant has been seen in the general population in a heterozygous state, its frequency is not high enough to rule out a pathogenic role. This variant has also been reported in ClinVar (VCV000636959.8) and has been interpreted as pathogenic by Labcorp Genetics and Blueprint genetics. Of the many affected individuals, one of those was a homozygote and five were compound heterozygotes that carried a reported pathogenic variant in trans, which increases the likelihood that the n.46G>A variant is pathogenic (VCV000218083.44, VCV000030179.13; PMID: 25735804). In vitro functional studies provide some evidence that the n.46G>A variant will impact splicing efficiency (PMID: 32628740). However, these types of assays may not accurately represent biological function. The n.46G>A variant is located in the 5' Stem Loop region of RNU4ATAC where several other variants have been identified, suggesting that this variant is in a functional domain and supports pathogenicity (PMID: 26522830, 32628740). In summary, this variant meets criteria to be classified as pathogenic for autosomal recessive RNU4ATAC spectrum disorder. ACMG/AMP Criteria applied: PM3_very-strong, PP1_moderate, PM1, PS3_supporting (Richards 2015).

Victorian Clinical Genetics Services, Murdoch Childrens Research Institute
Classification: Pathogenic for RNU4ATAC spectrum disorder. Last evaluated: 2025-01-22. Review status: criteria provided, single submitter. Criteria: ACMG Guidelines, 2015. Collection method: clinical testing. Allele origin: germline. Affected: yes.
Comment: This variant is classified as Pathogenic. Evidence in support of pathogenic classification: Non-coding variant with known effect. Functional studies have shown this variant significantly reduced splicing efficiencies (PMID: 32628740); Variant is present in gnomAD <0.01 for a recessive condition (v4: 62 heterozygote(s), 0 homozygote(s)); This variant has strong previous evidence of pathogenicity in unrelated individuals. This variant has been classified as pathogenic by diagnostic laboratories in ClinVar, and reported in the literature in individuals with RNU4ATAC-related features (PMIDs: 25735804, 29391254, 29265708, 29620724); Variant is located in the well-established functional 5' stem-loop structure (PMID: 26522830); Heterozygous variant detected in trans with a second PATHOGENIC heterozygous variant (NR_023343.1(RNU4ATAC):n.16G>A) in a recessive disease. Additional information: This variant is heterozygous; This gene is associated with autosomal recessive disease; Alternative nucleotide change(s) at the same position are present in gnomAD (Highest allele count: v4: 17 heterozygote(s), 0 homozygote(s)); Loss of function is a known mechanism of disease in this gene and is associated with RNU4ATAC spectrum disorder (MONDO:0100558).

Blueprint Genetics
Classification: Pathogenic for RNU4ATAC-related disorders. Last evaluated: 2024-10-31. Review status: criteria provided, single submitter. Criteria: ACMG Guidelines, 2015. Collection method: clinical testing. Allele origin: germline. Affected: yes. Observed: 5 variant alleles.

Clinical Genetics Laboratory, Skane University Hospital Lund
Classification: Pathogenic for RNU4ATAC spectrum disorder. Last evaluated: 2024-04-29. Review status: criteria provided, single submitter. Criteria: ACMG Guidelines, 2015. Collection method: clinical testing. Allele origin: germline. Inheritance: Autosomal recessive inheritance. Affected: yes.
Comment: ACMG criteria used: PS3, PS4, PM2

OMIM
Classification: Pathogenic for LOWRY-WOOD SYNDROME. Last evaluated: 2020-09-11. Review status: no assertion criteria provided. Collection method: literature only. Allele origin: germline. Not counted in ClinVar's aggregate classification.

NIHR Bioresource Rare Diseases, University of Cambridge
Classification: Likely pathogenic for Roifman syndrome. Review status: no assertion criteria provided. Collection method: research. Allele origin: unknown. Affected: yes. Observed: 2 variant alleles. Not counted in ClinVar's aggregate classification.

Literature cited by the submitters: PubMed 29265708 (cited by 4 submitters); PubMed 29391254 (cited by 4 submitters); PubMed 25735804 (cited by 5 submitters); PubMed 28669401 (cited by Labcorp Genetics (formerly Invitae), Labcorp); PubMed 32628740 (cited by 3 submitters); PubMed 29620724 (cited by Dasa and Victorian Clinical Genetics Services, Murdoch Childrens Research Institute); PubMed 26522830 (cited by Victorian Clinical Genetics Services, Murdoch Childrens Research Institute); PubMed 32581362 (cited by NIHR Bioresource Rare Diseases, University of Cambridge).

NM_001395891.1(CLASP1):c.196-600C>T

Genes: CLASP1 (cytoplasmic linker associated protein 1; minus strand), CLASP1-AS1 (CLASP1 antisense RNA 1; plus strand), RNU4ATAC (RNA, U4atac small nuclear; plus strand). Cytogenetic location: 2q14.2.
Variant type: single nucleotide variant.
Coding change: c.196-600C>T on transcript NM_001395891.1 (MANE Select); 600 bases into the intron before coding-DNA position 196, C replaced by T.
Molecular consequence: intron variant.
Genome position (GRCh38, 1-based): chr2:121,530,925, G>A on the plus strand (C>T on the coding strand, the complement: CLASP1 is on the minus strand). VCF-style: chr2-121530925-G-A. GRCh37 (hg19) VCF-style: chr2-122288501-G-A.
Other names: 46G-A; c.196-600C>T (NM_001142273.2, NM_001207051.2, NM_001378005.1 and 4 more transcripts).
Identifiers: ClinVar variation 636959 (VCV000636959.15), dbSNP rs1032667950, ClinGen allele CA54810848.